The following is an entry in ClinVar:

ClinVar aggregate classification (germline): Uncertain significance (1 of 4 stars; one submission).

Submission:

GeneDx
Classification: Uncertain significance. Last evaluated: 2024-01-24. Review status: criteria provided, single submitter. Criteria: GeneDx Variant Classification Process June 2021. Collection method: clinical testing. Allele origin: germline. Affected: yes.
Comment: Not observed at significant frequency in large population cohorts (gnomAD); In silico analysis supports that this missense variant has a deleterious effect on protein structure/function; Has not been previously published as pathogenic or benign to our knowledge; This variant is associated with the following publications: (PMID: 23516486, Day alan_2006_Review)

NM_000321.3(RB1):c.2081T>G (p.Leu694Arg)

Gene: RB1 (RB transcriptional corepressor 1; plus strand). Cytogenetic location: 13q14.2.
Variant type: single nucleotide variant.
Coding change: c.2081T>G on transcript NM_000321.3 (MANE Select); coding-DNA position 2081, T replaced by G.
Protein change: p.Leu694Arg; replaces leucine 694 with arginine.
Molecular consequence: missense variant.
Genome position (GRCh38, 1-based): chr13:48,459,808, T>G. VCF-style: chr13-48459808-T-G. GRCh37 (hg19) VCF-style: chr13-49033944-T-G.
Other names: c.2081T>G, p.Leu694Arg (NM_001407165.1); short protein forms L694R.
Identifiers: ClinVar variation 3367962 (VCV003367962.1).